The following is an entry in ClinVar:

NM_001378454.1(ALMS1):c.10204G>T (p.Asp3402Tyr)

Gene: ALMS1 (ALMS1 centrosome and basal body associated protein; plus strand). Cytogenetic location: 2p13.1.
Variant type: single nucleotide variant.
Coding change: c.10204G>T on transcript NM_001378454.1 (MANE Select); coding-DNA position 10204, G replaced by T.
Protein change: p.Asp3402Tyr; replaces aspartic acid 3402 with tyrosine.
Molecular consequence: missense variant.
Genome position (GRCh38, 1-based): chr2:73,557,345, G>T. VCF-style: chr2-73557345-G-T. GRCh37 (hg19) VCF-style: chr2-73784472-G-T.
Other names: c.10207G>T, p.Asp3403Tyr (NM_015120.4); short protein forms D3403Y, D3402Y.
Identifiers: ClinVar variation 2058725 (VCV002058725.4), dbSNP rs2466403029, ClinGen allele CA347276864.

ClinVar aggregate classification (germline): Uncertain significance (1 of 4 stars; one submission).

Conditions:
Alstrom syndrome (ALMS). Identifiers: Orphanet 64, MedGen C0268425, MONDO:0008763, OMIM 203800.

Allele frequency attached by ClinVar (database versions not stated): gnomAD exomes below 0.00001.
gnomAD v4.1: 1 of 1,614,128 alleles (0.000062%); highest among the groups gnomAD compares: Non-Finnish European, 0.000085%; no homozygotes.

Submission:

Labcorp Genetics (formerly Invitae), Labcorp
Classification: Uncertain significance for Alstrom syndrome. Last evaluated: 2021-12-24. Review status: criteria provided, single submitter. Criteria: Invitae Variant Classification Sherloc (09022015). Collection method: clinical testing. Allele origin: germline.
Comment: This sequence change replaces aspartic acid, which is acidic and polar, with tyrosine, which is neutral and polar, at codon 3403 of the ALMS1 protein (p.Asp3403Tyr). This variant is not present in population databases (gnomAD no frequency). This variant has not been reported in the literature in individuals affected with ALMS1-related conditions. Experimental studies and prediction algorithms are not available or were not evaluated, and the functional significance of this variant is currently unknown. In summary, the available evidence is currently insufficient to determine the role of this variant in disease. Therefore, it has been classified as a Variant of Uncertain Significance.